The following is an entry in ClinVar:

ClinVar aggregate classification (germline): Uncertain significance. Review status: criteria provided, multiple submitters, no conflicts (2 of 4 stars). 2 submissions from 2 submitters: Uncertain significance (2). Last evaluated 2025-10-25.

Conditions:
Amelocerebrohypohidrotic syndrome (KTZS). Also called: EPILEPSY AND YELLOW TEETH; EPILEPSY, DEMENTIA, AND AMELOGENESIS IMPERFECTA; Kohlschutter's syndrome; KOHLSCHUTTER SYNDROME. Identifiers: Orphanet 1946, MedGen C0406740, MONDO:0009185, OMIM 226750.
Inborn genetic diseases. Identifiers: MedGen C0950123, MeSH D030342.

gnomAD v4.1: 5 of 1,608,928 alleles (0.00031%); highest among the groups gnomAD compares: Admixed American, 0.005%; no homozygotes.

Submissions (2):

Ambry Genetics
Classification: Uncertain significance for Inborn genetic diseases. Last evaluated: 2025-10-25. Review status: criteria provided, single submitter. Criteria: Ambry Variant Classification Scheme 2023. Collection method: clinical testing. Allele origin: germline.

Labcorp Genetics (formerly Invitae), Labcorp
Classification: Uncertain significance for Amelocerebrohypohidrotic syndrome. Last evaluated: 2022-06-28. Review status: criteria provided, single submitter. Criteria: Invitae Variant Classification Sherloc (09022015). Collection method: clinical testing. Allele origin: germline.
Comment: This sequence change replaces glycine, which is neutral and non-polar, with arginine, which is basic and polar, at codon 79 of the ROGDI protein (p.Gly79Arg). This variant is present in population databases (rs774658087, gnomAD 0.003%). This variant has not been reported in the literature in individuals affected with ROGDI-related conditions. Algorithms developed to predict the effect of missense changes on protein structure and function are either unavailable or do not agree on the potential impact of this missense change (SIFT: "Deleterious"; PolyPhen-2: "Probably Damaging"; Align-GVGD: "Class C0"). In summary, the available evidence is currently insufficient to determine the role of this variant in disease. Therefore, it has been classified as a Variant of Uncertain Significance.

NM_024589.3(ROGDI):c.235G>A (p.Gly79Arg)

Gene: ROGDI (rogdi atypical leucine zipper; minus strand). Cytogenetic location: 16p13.3.
Variant type: single nucleotide variant.
Coding change: c.235G>A on transcript NM_024589.3 (MANE Select); coding-DNA position 235, G replaced by A.
Protein change: p.Gly79Arg; replaces glycine 79 with arginine.
Molecular consequence: missense variant.
Genome position (GRCh38, 1-based): chr16:4,801,287, C>T on the plus strand (G>A on the coding strand, the complement: ROGDI is on the minus strand). VCF-style: chr16-4801287-C-T. GRCh37 (hg19) VCF-style: chr16-4851288-C-T.
Other names: c.235G>A (NM_024589.1); short protein forms G79R.
Identifiers: ClinVar variation 2097065 (VCV002097065.5), dbSNP rs774658087, ClinGen allele CA7882885.